The following is an entry in ClinVar:

ClinVar aggregate classification (germline): Uncertain significance. Review status: criteria provided, multiple submitters, no conflicts (2 of 4 stars). 3 submissions from 3 submitters: Uncertain significance (3). Last evaluated 2025-10-26.

Allele frequency attached by ClinVar (database versions not stated): gnomAD 0.00002; TOPMed 0.00002.
gnomAD v4.1: 14 of 1,537,766 alleles (0.00091%); highest among the groups gnomAD compares: Middle Eastern, 0.022%; no homozygotes.

Submissions (3):

Labcorp Genetics (formerly Invitae), Labcorp
Classification: Uncertain significance. Last evaluated: 2025-10-26. Review status: criteria provided, single submitter. Criteria: Invitae Variant Classification Sherloc (09022015). Collection method: clinical testing. Allele origin: germline.
Comment: This sequence change replaces alanine, which is neutral and non-polar, with valine, which is neutral and non-polar, at codon 615 of the KCNC3 protein (p.Ala615Val). This variant is not present in population databases (gnomAD no frequency). This variant has not been reported in the literature in individuals affected with KCNC3-related conditions. ClinVar contains an entry for this variant (Variation ID: 804961). Invitae Evidence Modeling of protein sequence and biophysical properties (such as structural, functional, and spatial information, amino acid conservation, physicochemical variation, residue mobility, and thermodynamic stability) indicates that this missense variant is not expected to disrupt KCNC3 protein function with a negative predictive value of 95%. In summary, the available evidence is currently insufficient to determine the role of this variant in disease. Therefore, it has been classified as a Variant of Uncertain Significance.

GeneDx
Classification: Uncertain significance. Last evaluated: 2019-10-22. Review status: criteria provided, single submitter. Criteria: GeneDx Variant Classification Process June 2021. Collection method: clinical testing. Allele origin: germline. Affected: yes.
Comment: In silico analysis, which includes protein predictors and evolutionary conservation, supports that this variant does not alter protein structure/function; Has not been previously published as pathogenic or benign to our knowledge

Athena Diagnostics
Classification: Uncertain significance. Last evaluated: 2019-05-14. Review status: criteria provided, single submitter. Criteria: Athena Diagnostics Criteria. Collection method: clinical testing. Allele origin: germline.

NM_004977.3(KCNC3):c.1844C>T (p.Ala615Val)

Gene: KCNC3 (potassium voltage-gated channel subfamily C member 3; minus strand). Cytogenetic location: 19q13.33.
Variant type: single nucleotide variant.
Coding change: c.1844C>T on transcript NM_004977.3 (MANE Select); coding-DNA position 1844, C replaced by T.
Protein change: p.Ala615Val; replaces alanine 615 with valine.
Molecular consequence: missense variant.
Genome position (GRCh38, 1-based): chr19:50,323,109, G>A on the plus strand (C>T on the coding strand, the complement: KCNC3 is on the minus strand). VCF-style: chr19-50323109-G-A. GRCh37 (hg19) VCF-style: chr19-50826366-G-A.
Other names: c.1616C>T, p.Ala539Val (NM_001372305.1); short protein forms A539V, A615V.
Identifiers: ClinVar variation 804961 (VCV000804961.4), dbSNP rs1432486680, ClinGen allele CA406949765.
Genomic context (GRCh38, chr19:50,323,109, plus strand): 5'-CCCATGATCCCCAGCCCACCCGCTCCCCCCCTGAGCAGCCCGGGGTGCGTGTGGGGCCCC[G>A]CTGGGTAGGCCCCGGCCACAGTCACCCCCATGGAGGGTGGGGTGATGGGTGGCGGCGGGC-3'
Protein context (NP_004968.2, residues 605-625): MGVTVAGAYP[Ala615Val]GPHTHPGLLR